The following is an entry in ClinVar:

ClinVar aggregate classification (germline): Uncertain significance (1 of 4 stars; one submission).

Conditions:
Charcot-Marie-Tooth disease axonal type 2F (CMT2F). Also called: CHARCOT-MARIE-TOOTH DISEASE, NEURONAL, TYPE 2F; Charcot-Marie-Tooth Neuropathy Type 2F. Identifiers: Orphanet 99940, MedGen C1847823, MONDO:0011687, OMIM 606595.

Submission:

Labcorp Genetics (formerly Invitae), Labcorp
Classification: Uncertain significance for Charcot-Marie-Tooth disease axonal type 2F. Last evaluated: 2024-03-16. Review status: criteria provided, single submitter. Criteria: Invitae Variant Classification Sherloc (09022015). Collection method: clinical testing. Allele origin: germline.
Comment: This sequence change falls in intron 1 of the HSPB1 gene. It does not directly change the encoded amino acid sequence of the HSPB1 protein. This variant is not present in population databases (gnomAD no frequency). This variant has not been reported in the literature in individuals affected with HSPB1-related conditions. Algorithms developed to predict the effect of sequence changes on RNA splicing suggest that this variant may disrupt the consensus splice site. In summary, the available evidence is currently insufficient to determine the role of this variant in disease. Therefore, it has been classified as a Variant of Uncertain Significance.

NM_001540.5(HSPB1):c.365-14_365-7del

Gene: HSPB1 (heat shock protein family B (small) member 1; plus strand). Cytogenetic location: 7q11.23.
Variant type: Deletion.
Coding change: c.365-14_365-7del on transcript NM_001540.5 (MANE Select); 14 bases into the intron before coding-DNA position 365 through 7 bases into the intron before coding-DNA position 365, 8 bases deleted (TCTTCCCC; older notation c.365-14_365-7delTCTTCCCC).
Molecular consequence: intron variant.
Genome position (GRCh38, 1-based): chr7:76,303,788-76,303,795, TCTTCCCC deleted; deleting any 8 consecutive bases within chr7:76,303,785-76,303,795 gives the same sequence; the c. name uses the placement nearest the transcript's 3' end. VCF-style (leftmost placement, unchanged base first): chr7-76303784-TCCCTCTTC-T. GRCh37 (hg19) VCF-style: chr7-75933101-TCCCTCTTC-T.
Identifiers: ClinVar variation 3670818 (VCV003670818.2).